The following is an entry in ClinVar:

ClinVar aggregate classification (germline): Uncertain significance (1 of 4 stars; one submission).

Conditions:
Nephronophthisis. Also called: Juvenile Nephronophthisis. Identifiers: Orphanet 655, MedGen C0687120, MONDO:0019005, HP:0000090.

Submission:

Labcorp Genetics (formerly Invitae), Labcorp
Classification: Uncertain significance for Nephronophthisis. Last evaluated: 2025-08-18. Review status: criteria provided, single submitter. Criteria: Invitae Variant Classification Sherloc (09022015). Collection method: clinical testing. Allele origin: germline.
Comment: This sequence change replaces glutamine, which is neutral and polar, with lysine, which is basic and polar, at codon 302 of the IQCB1 protein (p.Gln302Lys). The frequency data for this variant in the population databases is considered unreliable, as metrics indicate poor data quality at this position in the gnomAD database. This variant has not been reported in the literature in individuals affected with IQCB1-related conditions. ClinVar contains an entry for this variant (Variation ID: 1513871). Invitae Evidence Modeling of protein sequence and biophysical properties (such as structural, functional, and spatial information, amino acid conservation, physicochemical variation, residue mobility, and thermodynamic stability) has been performed for this missense variant. However, the output from this modeling did not meet the statistical confidence thresholds required to predict the impact of this variant on IQCB1 protein function. In summary, the available evidence is currently insufficient to determine the role of this variant in disease. Therefore, it has been classified as a Variant of Uncertain Significance.

NM_001023570.4(IQCB1):c.904C>A (p.Gln302Lys)

Gene: IQCB1 (IQ motif containing B1; minus strand). Cytogenetic location: 3q13.33.
Variant type: single nucleotide variant.
Coding change: c.904C>A on transcript NM_001023570.4 (MANE Select); coding-DNA position 904, C replaced by A.
Protein change: p.Gln302Lys; replaces glutamine 302 with lysine.
Molecular consequence: missense variant. On other transcripts: intron variant (1).
Genome position (GRCh38, 1-based): chr3:121,795,539, G>T on the plus strand (C>A on the coding strand, the complement: IQCB1 is on the minus strand). VCF-style: chr3-121795539-G-T. GRCh37 (hg19) VCF-style: chr3-121514386-G-T.
Other names: c.904C>A, p.Gln302Lys (NM_001319107.2); c.588-5324C>A (NM_001023571.4); short protein forms Q302K.
Identifiers: ClinVar variation 1513871 (VCV001513871.8), dbSNP rs756776335, ClinGen allele CA2567253.